The following is an entry in ClinVar:

ClinVar aggregate classification (germline): Likely pathogenic (1 of 4 stars; one submission).

Conditions:
X-linked Alport syndrome (ATS1). Also called: COL4A5-Related Nephropathy; NEPHROPATHY AND DEAFNESS, X-LINKED. Identifiers: Orphanet 63, Orphanet 88917, MedGen C4746986, MONDO:0010520, OMIM 301050.

Submission:

3billion
Classification: Likely pathogenic for X-linked Alport syndrome. Last evaluated: 2021-10-02. Review status: criteria provided, single submitter. Criteria: ACMG Guidelines, 2015. Collection method: clinical testing. Allele origin: maternal. Affected: yes. Observed: 1 hemizygote.
Comment: Same nucleotide change resulting in same amino acid change has been previously reported as pathogenic/likely pathogenic with supporting evidence (PMID: 24033287, PS1_P). The missense variant is located in a mutational hot spot and/or well-established functional domain in which established pathogenic variants have been reported (PM1). It is not observed in the gnomAD v2.1.1 dataset (PM2). A different missense change at the same codon (p.Gly233Ala) has been reported as pathogenic/likely pathogenic with strong evidence (ClinVar ID: VCV000562428.1, PM5). In silico tool predictions suggest damaging effect of the variant on gene or gene product (REVEL: 0.97 PP3). Therefore, this variant is classified as likely pathogenic according to the recommendation of ACMG/AMP guideline.

Literature cited by the submitters: PubMed 24033287.

NM_033380.3(COL4A5):c.698G>T (p.Gly233Val)

Gene: COL4A5 (collagen type IV alpha 5 chain; plus strand). Cytogenetic location: Xq22.3.
Variant type: single nucleotide variant.
Coding change: c.698G>T on transcript NM_033380.3 (MANE Select); coding-DNA position 698, G replaced by T.
Protein change: p.Gly233Val; replaces glycine 233 with valine.
Molecular consequence: missense variant.
Genome position (GRCh38, 1-based): chrX:108,578,301, G>T. VCF-style: chrX-108578301-G-T. GRCh37 (hg19) VCF-style: chrX-107821531-G-T.
Other names: c.698G>T, p.Gly233Val (NM_000495.5); short protein forms G233V.
Identifiers: ClinVar variation 587140 (VCV000587140.3), dbSNP rs1569490592, ClinGen allele CA413924071.